The following is an entry in ClinVar:

NM_001368397.1(FRMPD4):c.3889G>C (p.Ala1297Pro)

Gene: FRMPD4 (FERM and PDZ domain containing 4; plus strand). Cytogenetic location: Xp22.2.
Variant type: single nucleotide variant.
Coding change: c.3889G>C on transcript NM_001368397.1 (MANE Select); coding-DNA position 3889, G replaced by C.
Protein change: p.Ala1297Pro; replaces alanine 1297 with proline.
Molecular consequence: missense variant.
Genome position (GRCh38, 1-based): chrX:12,718,715, G>C. VCF-style: chrX-12718715-G-C. GRCh37 (hg19) VCF-style: chrX-12736834-G-C.
Other names: c.4000G>C, p.Ala1334Pro (NM_001368395.3, NM_001368398.3); c.3895G>C, p.Ala1299Pro (NM_001368396.3); c.3880G>C, p.Ala1294Pro (NM_001368399.3); c.3769G>C, p.Ala1257Pro (NM_001368400.3); c.3865G>C, p.Ala1289Pro (NM_001368401.1, NM_001368402.3); c.3889G>C, p.Ala1297Pro (NM_014728.3); short protein forms A1257P, A1289P, A1294P, A1297P, A1299P, A1334P.
Identifiers: ClinVar variation 1331536 (VCV001331536.5), dbSNP rs754514737, ClinGen allele CA412323616.
Genomic context (GRCh38, chrX:12,718,715, plus strand): 5'-GAACTGCACCCACAGACAGAAGGGATGTGTCCACGGATGACAGTGCCTGCTCTGCACACA[G>C]CCATTAACACCGAACCCCTGTTTGGCACATTGAGAGATGGATGCCATCGGCTCCCCAAGA-3'
Protein context (NP_001355326.1, residues 1287-1307): PRMTVPALHT[Ala1297Pro]INTEPLFGTL

ClinVar aggregate classification (germline): Uncertain significance. Review status: criteria provided, multiple submitters, no conflicts (2 of 4 stars). 2 submissions from 2 submitters: Uncertain significance (2). Last evaluated 2024-09-24.

Allele frequency attached by ClinVar (database versions not stated): gnomAD 0.00002; TOPMed 0.00002.
gnomAD v4.1: 2 of 1,207,880 alleles (0.00017%); highest among the groups gnomAD compares: African/African-American, 0.0035%; no homozygotes.

Submissions (2):

GeneDx
Classification: Uncertain significance. Last evaluated: 2024-09-24. Review status: criteria provided, single submitter. Criteria: GeneDx Variant Classification Process June 2021. Collection method: clinical testing. Allele origin: germline. Affected: yes.
Comment: Not observed at significant frequency in large population cohorts (gnomAD); In silico analysis indicates that this missense variant does not alter protein structure/function; Has not been previously published as pathogenic or benign to our knowledge

Greenwood Genetic Center Diagnostic Laboratories, Greenwood Genetic Center
Classification: Uncertain significance. Last evaluated: 2020-12-02. Review status: criteria provided, single submitter. Criteria: ACMG Guidelines, 2015. Collection method: clinical testing. Allele origin: germline. Affected: yes.
Comment: PM2